The following is an entry in ClinVar:

NM_001127208.3(TET2):c.3343C>T (p.Pro1115Ser)

Genes: TET2 (tet methylcytosine dioxygenase 2; plus strand), TET2-AS1 (TET2 antisense RNA 1; minus strand). Cytogenetic location: 4q24.
Variant type: single nucleotide variant.
Coding change: c.3343C>T on transcript NM_001127208.3 (MANE Select); coding-DNA position 3343, C replaced by T.
Protein change: p.Pro1115Ser; replaces proline 1115 with serine.
Molecular consequence: missense variant.
Genome position (GRCh38, 1-based): chr4:105,237,285, C>T. VCF-style: chr4-105237285-C-T. GRCh37 (hg19) VCF-style: chr4-106158442-C-T.
Other names: c.3343C>T, p.Pro1115Ser (NM_017628.4); short protein forms P1115S.
Identifiers: ClinVar variation 4182984 (VCV004182984.1).
Genomic context (GRCh38, chr4:105,237,285, plus strand): 5'-AGAACAGCTGCTTCTGTTCTCAATAATTTTATAGAGTCACCTTCCAAATTACTAGATACT[C>T]CTATAAAAAATTTATTGGATACACCTGTCAAGACTCAATATGATTTCCCATCTTGCAGAT-3'
Protein context (NP_001120680.1, residues 1105-1125): IESPSKLLDT[Pro1115Ser]IKNLLDTPVK

ClinVar aggregate classification (germline): Uncertain significance (1 of 4 stars; one submission).

Submission:

Ambry Genetics
Classification: Uncertain significance. Last evaluated: 2025-07-22. Review status: criteria provided, single submitter. Criteria: Ambry Variant Classification Scheme 2023. Collection method: clinical testing. Allele origin: germline.
Comment: The p.P1115S variant (also known as c.3343C>T), located in coding exon 1 of the TET2 gene, results from a C to T substitution at nucleotide position 3343. The proline at codon 1115 is replaced by serine, an amino acid with similar properties. This amino acid position is conserved. In addition, this alteration is predicted to be tolerated by in silico analysis. Based on the available evidence, the clinical significance of this variant remains unclear.